The following is an entry in ClinVar:

ClinVar aggregate classification (germline): Uncertain significance. Review status: criteria provided, multiple submitters, no conflicts (2 of 4 stars). 3 submissions from 3 submitters: Uncertain significance (3). Last evaluated 2026-05-12.

Conditions:
Hereditary cancer-predisposing syndrome. Also called: Hereditary Cancer Syndrome; Hereditary neoplastic syndrome; Neoplastic Syndromes, Hereditary; Tumor predisposition. Identifiers: Orphanet 140162, MedGen C0027672, MeSH D009386, MONDO:0015356.
Familial cancer of breast. Also called: BREAST CANCER, FAMILIAL; hereditary breast carcinoma; Hereditary breast cancer. Identifiers: Orphanet 227535, MedGen C0346153, MONDO:0016419, OMIM 114480. Disease mechanism: loss of function.
Hereditary breast ovarian cancer syndrome. Also called: BRCA1- and BRCA2-Associated Hereditary Breast and Ovarian Cancer; Hereditary breast and ovarian cancer syndrome; Hereditary breast and ovarian cancer syndrome (HBOC); Hereditary breast and ovarian cancer; Breast and ovarian cancer; Hereditary breast and/or ovarian cancer syndrome. Identifiers: Orphanet 145, MedGen C0677776, MeSH D061325, MONDO:0003582. Disease mechanism: loss of function.

Allele frequency attached by ClinVar (database versions not stated): gnomAD exomes below 0.00001.
gnomAD v4.1: 1 of 1,614,034 alleles (0.000062%); highest among the groups gnomAD compares: Non-Finnish European, 0.000085%; no homozygotes.

Submissions (3):

German Consortium for Hereditary Breast and Ovarian Cancer, University Hospital Cologne
Classification: Uncertain significance for Hereditary breast ovarian cancer syndrome. Last evaluated: 2026-05-12. Review status: criteria provided, single submitter. Criteria: ACMG SVI. Collection method: curation. Allele origin: germline.
Comment: This classification follows the ACMG SVI adaptation classification scheme; We chose these criteria: PM2 (supporting pathogenic): gnomAD v4.1: 6.196e-7, PP3 (supporting pathogenic): REVEL 0.753

Ambry Genetics
Classification: Uncertain significance for Hereditary cancer-predisposing syndrome. Last evaluated: 2024-07-18. Review status: criteria provided, single submitter. Criteria: Ambry Variant Classification Scheme 2023. Collection method: clinical testing. Allele origin: germline.
Comment: The p.I509T variant (also known as c.1526T>C), located in coding exon 6 of the BARD1 gene, results from a T to C substitution at nucleotide position 1526. The isoleucine at codon 509 is replaced by threonine, an amino acid with similar properties. This variant was reported in 1/196 familial breast cancer cases and in 0/245 controls. Four females in this family were diagnosed with breast cancer and the p.I509T variant co-segregated with the breast cancer (De Brakeleer S, et al. Hum. Mutat. 2010 Mar; 31(3):E1175-85). This amino acid position is highly conserved in available vertebrate species. In addition, this alteration is predicted to be deleterious by in silico analysis. Based on the available evidence, the clinical significance of this variant remains unclear.

Baylor Genetics
Classification: Uncertain significance for Familial cancer of breast. Last evaluated: 2023-10-18. Review status: criteria provided, single submitter. Criteria: ACMG Guidelines, 2015. Collection method: clinical testing. Allele origin: unknown.

Literature cited by the submitters: PubMed 20077502 (cited by Ambry Genetics); PubMed 26738429 (cited by Ambry Genetics).

NM_000465.4(BARD1):c.1526T>C (p.Ile509Thr)

Gene: BARD1 (BRCA1 associated RING domain 1; minus strand). Cytogenetic location: 2q35.
Variant type: single nucleotide variant.
Coding change: c.1526T>C on transcript NM_000465.4 (MANE Select); coding-DNA position 1526, T replaced by C.
Protein change: p.Ile509Thr; replaces isoleucine 509 with threonine.
Molecular consequence: missense variant. On other transcripts: non-coding transcript variant (3), intron variant (3).
Genome position (GRCh38, 1-based): chr2:214,767,524, A>G on the plus strand (T>C on the coding strand, the complement: BARD1 is on the minus strand). VCF-style: chr2-214767524-A-G. GRCh37 (hg19) VCF-style: chr2-215632248-A-G.
Other names: c.1469T>C, p.Ile490Thr (NM_001282543.2); c.159-14969T>C (NM_001282548.2); c.216-14969T>C (NM_001282545.2); c.364+24773T>C (NM_001282549.2); short protein forms I509T, I490T.
Identifiers: ClinVar variation 481382 (VCV000481382.8), dbSNP rs1553619225, ClinGen allele CA350448239.